The following is an entry in ClinVar:

ClinVar aggregate classification (germline): Uncertain significance (1 of 4 stars; one submission).

Conditions:
Congenital muscular dystrophy due to integrin alpha-7 deficiency. Also called: Congenital muscular dystrophy with integrin alpha-7 deficiency; Muscular dystrophy, congenital, due to ITGA7 deficiency; MYOPATHY, CONGENITAL, DUE TO INTEGRIN ALPHA-7 DEFICIENCY. Identifiers: Orphanet 34520, MedGen C2750786, MONDO:0013177, OMIM 613204.

Allele frequency attached by ClinVar (database versions not stated): gnomAD 0.00001; ExAC 0.00004; TOPMed 0.00004.
gnomAD v4.1: 30 of 1,613,890 alleles (0.0019%); highest among the groups gnomAD compares: East Asian, 0.049%; no homozygotes.

Submission:

Labcorp Genetics (formerly Invitae), Labcorp
Classification: Uncertain significance for Congenital muscular dystrophy due to integrin alpha-7 deficiency. Last evaluated: 2022-05-27. Review status: criteria provided, single submitter. Criteria: Invitae Variant Classification Sherloc (09022015). Collection method: clinical testing. Allele origin: germline.
Comment: This sequence change replaces arginine, which is basic and polar, with histidine, which is basic and polar, at codon 969 of the ITGA7 protein (p.Arg969His). This variant is present in population databases (rs762923857, gnomAD 0.03%). This variant has not been reported in the literature in individuals affected with ITGA7-related conditions. Algorithms developed to predict the effect of missense changes on protein structure and function (SIFT, PolyPhen-2, Align-GVGD) all suggest that this variant is likely to be tolerated. In summary, the available evidence is currently insufficient to determine the role of this variant in disease. Therefore, it has been classified as a Variant of Uncertain Significance.

NM_002206.3(ITGA7):c.2906G>A (p.Arg969His)

Gene: ITGA7 (integrin subunit alpha 7; minus strand). Cytogenetic location: 12q13.2.
Variant type: single nucleotide variant.
Coding change: c.2906G>A on transcript NM_002206.3 (MANE Select); coding-DNA position 2906, G replaced by A.
Protein change: p.Arg969His; replaces arginine 969 with histidine.
Molecular consequence: missense variant.
Genome position (GRCh38, 1-based): chr12:55,688,896, C>T on the plus strand (G>A on the coding strand, the complement: ITGA7 is on the minus strand). VCF-style: chr12-55688896-C-T. GRCh37 (hg19) VCF-style: chr12-56082680-C-T.
Other names: c.2918G>A, p.Arg973His (NM_001144996.2); c.2627G>A, p.Arg876His (NM_001144997.2); c.2579G>A, p.Arg860His (NM_001367993.1); c.1562G>A, p.Arg521His (NM_001367994.1); c.2888G>A, p.Arg963His (NM_001374465.1); c.3038G>A, p.Arg1013His (NM_001410977.1); c.2900G>A, p.Arg967His (NM_001414029.1); c.2831G>A, p.Arg944His (NM_001414030.1); and 5 more; short protein forms R856H, R908H, R944H, R967H, R969H, R1013H, R876H, R894H.
Identifiers: ClinVar variation 1981538 (VCV001981538.1), dbSNP rs762923857, ClinGen allele CA6615421.